The following is an entry in ClinVar:

ClinVar aggregate classification (germline): Uncertain significance (1 of 4 stars; one submission).

Conditions:
Mucopolysaccharidosis type 1. Also called: IDUA deficiency; MPS I. Identifiers: Orphanet 579, MedGen C0023786, MONDO:0001586.

Allele frequency attached by ClinVar (database versions not stated): gnomAD exomes 0.00001; TOPMed 0.00001; ExAC 0.00002.
gnomAD v4.1: 7 of 1,610,882 alleles (0.00043%); highest among the groups gnomAD compares: Admixed American, 0.0067%; no homozygotes.

Submission:

Labcorp Genetics (formerly Invitae), Labcorp
Classification: Uncertain significance for Mucopolysaccharidosis type 1. Last evaluated: 2022-08-20. Review status: criteria provided, single submitter. Criteria: Invitae Variant Classification Sherloc (09022015). Collection method: clinical testing. Allele origin: germline.
Comment: This sequence change replaces serine, which is neutral and polar, with phenylalanine, which is neutral and non-polar, at codon 649 of the IDUA protein (p.Ser649Phe). This variant is present in population databases (rs762223172, gnomAD 0.006%). This variant has not been reported in the literature in individuals affected with IDUA-related conditions. Advanced modeling of protein sequence and biophysical properties (such as structural, functional, and spatial information, amino acid conservation, physicochemical variation, residue mobility, and thermodynamic stability) performed at Invitae indicates that this missense variant is not expected to disrupt IDUA protein function. In summary, the available evidence is currently insufficient to determine the role of this variant in disease. Therefore, it has been classified as a Variant of Uncertain Significance.

NM_000203.5(IDUA):c.1946C>T (p.Ser649Phe)

Gene: IDUA (alpha-L-iduronidase; plus strand). Cytogenetic location: 4p16.3.
Variant type: single nucleotide variant.
Coding change: c.1946C>T on transcript NM_000203.5 (MANE Select); coding-DNA position 1946, C replaced by T.
Protein change: p.Ser649Phe; replaces serine 649 with phenylalanine.
Molecular consequence: missense variant. On other transcripts: non-coding transcript variant (1).
Genome position (GRCh38, 1-based): chr4:1,004,377, C>T. VCF-style: chr4-1004377-C-T. GRCh37 (hg19) VCF-style: chr4-998165-C-T.
Other names: c.1550C>T, p.Ser517Phe (NM_001363576.1); short protein forms S517F, S649F.
Identifiers: ClinVar variation 2198115 (VCV002198115.1), dbSNP rs762223172, ClinGen allele CA2802483.